The following is an entry in ClinVar:

NM_030962.4(SBF2):c.4039C>T (p.Arg1347Trp)

Gene: SBF2 (SET binding factor 2; minus strand). Cytogenetic location: 11p15.4.
Variant type: single nucleotide variant.
Coding change: c.4039C>T on transcript NM_030962.4 (MANE Select); coding-DNA position 4039, C replaced by T.
Protein change: p.Arg1347Trp; replaces arginine 1347 with tryptophan.
Molecular consequence: missense variant.
Genome position (GRCh38, 1-based): chr11:9,812,648, G>A on the plus strand (C>T on the coding strand, the complement: SBF2 is on the minus strand). VCF-style: chr11-9812648-G-A. GRCh37 (hg19) VCF-style: chr11-9834195-G-A.
Other names: c.4135C>T, p.Arg1379Trp (NM_001386339.1); c.3910C>T, p.Arg1304Trp (NM_001386342.1); short protein forms R1347W, R1304W, R1379W.
Identifiers: ClinVar variation 933904 (VCV000933904.9), dbSNP rs750938785, ClinGen allele CA5881074.

ClinVar aggregate classification (germline): Uncertain significance. Review status: criteria provided, multiple submitters, no conflicts (2 of 4 stars). 2 submissions from 2 submitters: Uncertain significance (2). Last evaluated 2021-08-26.

Conditions:
Inborn genetic diseases. Identifiers: MedGen C0950123, MeSH D030342.
Charcot-Marie-Tooth disease type 4. Also called: Charcot-Marie-Tooth disease, type IV; Charcot-Marie-Tooth, Type 4. Identifiers: Orphanet 64749, MedGen C4082197, MONDO:0018995.

Allele frequency attached by ClinVar (database versions not stated): gnomAD exomes 0.00001 and 0.00002; ExAC 0.00002; TOPMed 0.00002; gnomAD 0.00005.
gnomAD v4.1: 23 of 1,614,032 alleles (0.0014%); highest among the groups gnomAD compares: African/African-American, 0.008%; no homozygotes.

Submissions (2):

Labcorp Genetics (formerly Invitae), Labcorp
Classification: Uncertain significance for Charcot-Marie-Tooth disease type 4. Last evaluated: 2021-08-26. Review status: criteria provided, single submitter. Criteria: Invitae Variant Classification Sherloc (09022015). Collection method: clinical testing. Allele origin: germline.
Comment: This sequence change replaces arginine with tryptophan at codon 1347 of the SBF2 protein (p.Arg1347Trp). The arginine residue is highly conserved and there is a moderate physicochemical difference between arginine and tryptophan. This variant is present in population databases (rs750938785, ExAC 0.02%). This variant has not been reported in the literature in individuals affected with SBF2-related conditions. Algorithms developed to predict the effect of missense changes on protein structure and function are either unavailable or do not agree on the potential impact of this missense change (SIFT: "Deleterious"; PolyPhen-2: "Probably Damaging"; Align-GVGD: "Class C0"). In summary, the available evidence is currently insufficient to determine the role of this variant in disease. Therefore, it has been classified as a Variant of Uncertain Significance.

Ambry Genetics
Classification: Uncertain significance for Inborn genetic diseases. Last evaluated: 2019-08-28. Review status: criteria provided, single submitter. Criteria: Ambry Variant Classification Scheme 2023. Collection method: clinical testing. Allele origin: germline.
Comment: The p.R1347W variant (also known as c.4039C>T), located in coding exon 30 of the SBF2 gene, results from a C to T substitution at nucleotide position 4039. The arginine at codon 1347 is replaced by tryptophan, an amino acid with dissimilar properties. This amino acid position is highly conserved in available vertebrate species. In addition, this alteration is predicted to be deleterious by in silico analysis. Since supporting evidence is limited at this time, the clinical significance of this alteration remains unclear.